The following is an entry in ClinVar:

NM_001330078.2(NRXN1):c.2358G>C (p.Arg786Ser)

Gene: NRXN1 (neurexin 1; minus strand). Cytogenetic location: 2p16.3.
Variant type: single nucleotide variant.
Coding change: c.2358G>C on transcript NM_001330078.2 (MANE Select); coding-DNA position 2358, G replaced by C.
Protein change: p.Arg786Ser; replaces arginine 786 with serine.
Molecular consequence: missense variant. On other transcripts: intron variant (7).
Genome position (GRCh38, 1-based): chr2:50,528,641, C>G on the plus strand (G>C on the coding strand, the complement: NRXN1 is on the minus strand). VCF-style: chr2-50528641-C-G. GRCh37 (hg19) VCF-style: chr2-50755779-C-G.
Other names: c.2358G>C, p.Arg786Ser (NM_004801.6, NM_001330086.2); c.2263+2586G>C (NM_001330096.2, NM_001330087.2); c.2308+2586G>C (NM_001330083.2, NM_001330084.2); c.2293+2586G>C (NM_001330088.2); c.2323+2586G>C (NM_001330095.2); c.2347+2586G>C (NM_001330085.2); c.2478G>C, p.Arg826Ser (NM_001135659.3); c.2334G>C, p.Arg778Ser (NM_001330077.2, NM_001330082.2); and 2 more; short protein forms R786S, R785S, R782S, R778S, R826S.
Identifiers: ClinVar variation 2802050 (VCV002802050.3), dbSNP rs2465547889, ClinGen allele CA346769367.

ClinVar aggregate classification (germline): Uncertain significance (1 of 4 stars; one submission).

Conditions:
Pitt-Hopkins-like syndrome 2 (PTHSL2). Identifiers: Orphanet 221150, Orphanet 600663, MedGen C3280479, MONDO:0013690, OMIM 614325.

Submission:

Labcorp Genetics (formerly Invitae), Labcorp
Classification: Uncertain significance for Pitt-Hopkins-like syndrome 2. Last evaluated: 2023-10-08. Review status: criteria provided, single submitter. Criteria: Invitae Variant Classification Sherloc (09022015). Collection method: clinical testing. Allele origin: germline.
Comment: This sequence change replaces arginine, which is basic and polar, with serine, which is neutral and polar, at codon 826 of the NRXN1 protein (p.Arg826Ser). This variant is not present in population databases (gnomAD no frequency). This variant has not been reported in the literature in individuals affected with NRXN1-related conditions. An algorithm developed to predict the effect of missense changes on protein structure and function (PolyPhen-2) suggests that this variant is likely to be tolerated. In summary, the available evidence is currently insufficient to determine the role of this variant in disease. Therefore, it has been classified as a Variant of Uncertain Significance.